The following is an entry in ClinVar:

NM_000350.3(ABCA4):c.4327C>A (p.Arg1443Ser)

Gene: ABCA4 (ATP binding cassette subfamily A member 4; minus strand). Cytogenetic location: 1p22.1.
Variant type: single nucleotide variant.
Coding change: c.4327C>A on transcript NM_000350.3 (MANE Select); coding-DNA position 4327, C replaced by A.
Protein change: p.Arg1443Ser; replaces arginine 1443 with serine.
Molecular consequence: missense variant.
Genome position (GRCh38, 1-based): chr1:94,030,453, G>T on the plus strand (C>A on the coding strand, the complement: ABCA4 is on the minus strand). VCF-style: chr1-94030453-G-T. GRCh37 (hg19) VCF-style: chr1-94496009-G-T.
Other names: c.4105C>A, p.Arg1369Ser (NM_001425324.1); short protein forms R1369S, R1443S.
Identifiers: ClinVar variation 4688251 (VCV004688251.1).

ClinVar aggregate classification (germline): Uncertain significance (1 of 4 stars; one submission).

gnomAD v4.1: 1 of 1,614,192 alleles (0.000062%); highest among the groups gnomAD compares: Non-Finnish European, 0.000085%; no homozygotes.

Submission:

Women's Health and Genetics/Laboratory Corporation of America, LabCorp
Classification: Uncertain significance. Last evaluated: 2025-12-16. Review status: criteria provided, single submitter. Criteria: LabCorp Variant Classification Summary - May 2015. Collection method: clinical testing. Allele origin: germline.
Comment: Variant summary: ABCA4 c.4327C>A (p.Arg1443Ser) results in a non-conservative amino acid change in the encoded protein sequence. Algorithms developed to predict the effect of missense changes on protein structure and function all suggest that this variant is likely to be disruptive. The variant allele was found at a frequency of 4e-06 in 251466 control chromosomes. The available data on variant occurrences in the general population are insufficient to allow any conclusion about variant significance. To our knowledge, no occurrence of c.4327C>A in individuals affected with ABCA4-related conditions and no experimental evidence demonstrating its impact on protein function have been reported. No submitters have cited clinical-significance assessments for this variant to ClinVar. Based on the evidence outlined above, the variant was classified as uncertain significance.